The following is an entry in ClinVar:

ClinVar aggregate classification (germline): Uncertain significance (1 of 4 stars; one submission).

Conditions:
Hypertrophic cardiomyopathy 14. Identifiers: MedGen C2750467, MONDO:0013197, OMIM 613251.

Allele frequency attached by ClinVar (database versions not stated): TOPMed 0.00002.

Submission:

Labcorp Genetics (formerly Invitae), Labcorp
Classification: Uncertain significance for Hypertrophic cardiomyopathy 14. Last evaluated: 2022-07-19. Review status: criteria provided, single submitter. Criteria: Invitae Variant Classification Sherloc (09022015). Collection method: clinical testing. Allele origin: germline.
Comment: This variant is not present in population databases (gnomAD no frequency). This sequence change falls in intron 4 of the MYH6 gene. It does not directly change the encoded amino acid sequence of the MYH6 protein. It affects a nucleotide within the consensus splice site. In summary, the available evidence is currently insufficient to determine the role of this variant in disease. Therefore, it has been classified as a Variant of Uncertain Significance. Variants that disrupt the consensus splice site are a relatively common cause of aberrant splicing (PMID: 17576681, 9536098). Algorithms developed to predict the effect of sequence changes on RNA splicing suggest that this variant is not likely to affect RNA splicing. ClinVar contains an entry for this variant (Variation ID: 1416110). This variant has not been reported in the literature in individuals affected with MYH6-related conditions.

Literature cited by the submitters: PubMed 17576681; PubMed 9536098.

NM_002471.4(MYH6):c.346-3C>T

Genes: MYH6 (myosin heavy chain 6; minus strand), LOC114827851 (VISTA enhancer hs2155; plus strand). Cytogenetic location: 14q11.2.
Variant type: single nucleotide variant.
Coding change: c.346-3C>T on transcript NM_002471.4 (MANE Select); 3 bases into the intron before coding-DNA position 346, C replaced by T.
Molecular consequence: intron variant.
Genome position (GRCh38, 1-based): chr14:23,405,382, G>A on the plus strand (C>T on the coding strand, the complement: MYH6 is on the minus strand). VCF-style: chr14-23405382-G-A. GRCh37 (hg19) VCF-style: chr14-23874591-G-A.
Identifiers: ClinVar variation 1416110 (VCV001416110.6), dbSNP rs1017238152, ClinGen allele CA257798833.